The following is an entry in ClinVar:

ClinVar aggregate classification (germline): Uncertain significance. Review status: criteria provided, multiple submitters, no conflicts (2 of 4 stars). 3 submissions from 3 submitters: Uncertain significance (3). Last evaluated 2023-06-13.

Conditions:
Hereditary cancer-predisposing syndrome. Also called: Tumor predisposition; Hereditary Cancer Syndrome; Neoplastic Syndromes, Hereditary; Hereditary neoplastic syndrome. Identifiers: Orphanet 140162, MedGen C0027672, MeSH D009386, MONDO:0015356.

Allele frequency attached by ClinVar (database versions not stated): gnomAD exomes below 0.00001.
gnomAD v4.1: 1 of 1,613,020 alleles (0.000062%); highest among the groups gnomAD compares: South Asian, 0.0011%; no homozygotes.

Submissions (3):

Blueprint Genetics
Classification: Uncertain significance. Last evaluated: 2023-06-13. Review status: criteria provided, single submitter. Criteria: ACMG Guidelines, 2015. Collection method: clinical testing. Allele origin: germline.

Labcorp Genetics (formerly Invitae), Labcorp
Classification: Uncertain significance for Hereditary cancer-predisposing syndrome. Last evaluated: 2021-10-04. Review status: criteria provided, single submitter. Criteria: Invitae Variant Classification Sherloc (09022015). Collection method: clinical testing. Allele origin: germline.
Comment: In summary, the available evidence is currently insufficient to determine the role of this variant in disease. Therefore, it has been classified as a Variant of Uncertain Significance. Algorithms developed to predict the effect of missense changes on protein structure and function (SIFT, PolyPhen-2, Align-GVGD) all suggest that this variant is likely to be tolerated. ClinVar contains an entry for this variant (Variation ID: 486265). This variant has not been reported in the literature in individuals affected with RAD50-related conditions. This variant is not present in population databases (ExAC no frequency). This sequence change replaces valine with isoleucine at codon 504 of the RAD50 protein (p.Val504Ile). The valine residue is moderately conserved and there is a small physicochemical difference between valine and isoleucine.

Ambry Genetics
Classification: Uncertain significance for Hereditary cancer-predisposing syndrome. Last evaluated: 2017-07-21. Review status: criteria provided, single submitter. Criteria: Ambry Variant Classification Scheme 2023. Collection method: clinical testing. Allele origin: germline.
Comment: The p.V504I variant (also known as c.1510G>A), located in coding exon 10 of the RAD50 gene, results from a G to A substitution at nucleotide position 1510. The valine at codon 504 is replaced by isoleucine, an amino acid with highly similar properties. This amino acid position is well conserved in available vertebrate species. In addition, this alteration is predicted to be tolerated by in silico analysis. Since supporting evidence is limited at this time, the clinical significance of this alteration remains unclear.

NM_005732.4(RAD50):c.1510G>A (p.Val504Ile)

Gene: RAD50 (RAD50 double strand break repair protein; plus strand). Cytogenetic location: 5q31.1.
Variant type: single nucleotide variant.
Coding change: c.1510G>A on transcript NM_005732.4 (MANE Select); coding-DNA position 1510, G replaced by A.
Protein change: p.Val504Ile; replaces valine 504 with isoleucine.
Molecular consequence: missense variant.
Genome position (GRCh38, 1-based): chr5:132,591,281, G>A. VCF-style: chr5-132591281-G-A. GRCh37 (hg19) VCF-style: chr5-131926973-G-A.
Other names: short protein forms V504I.
Identifiers: ClinVar variation 486265 (VCV000486265.13), dbSNP rs1554098400, ClinGen allele CA360945644.